The following is an entry in ClinVar:

NM_000159.4(GCDH):c.1214T>C (p.Met405Thr)

Gene: GCDH (glutaryl-CoA dehydrogenase; plus strand). Cytogenetic location: 19p13.13.
Variant type: single nucleotide variant.
Coding change: c.1214T>C on transcript NM_000159.4 (MANE Select); coding-DNA position 1214, T replaced by C.
Protein change: p.Met405Thr; replaces methionine 405 with threonine.
Molecular consequence: missense variant. On other transcripts: non-coding transcript variant (2).
Genome position (GRCh38, 1-based): chr19:12,897,834, T>C. VCF-style: chr19-12897834-T-C. GRCh37 (hg19) VCF-style: chr19-13008648-T-C.
Other names: c.1214T>C, p.Met405Thr (NM_013976.5); short protein forms M405T.
Identifiers: ClinVar variation 1995265 (VCV001995265.4), dbSNP rs2512577776, ClinGen allele CA404321807.

ClinVar aggregate classification (germline): Likely pathogenic (1 of 4 stars; one submission).

Conditions:
Glutaric aciduria, type 1. Also called: Glutaryl-CoA dehydrogenase deficiency; Glutaric Acidemia Type 1; Glutaricaciduria, type I; GA I; Glutaric acidemia type I; Glutaricacidemia Type 1. Identifiers: Orphanet 25, MedGen C0268595, MONDO:0009281, OMIM 231670.

Submission:

Labcorp Genetics (formerly Invitae), Labcorp
Classification: Likely pathogenic for Glutaric aciduria, type 1. Last evaluated: 2023-08-15. Review status: criteria provided, single submitter. Criteria: Invitae Variant Classification Sherloc (09022015). Collection method: clinical testing. Allele origin: germline.
Comment: ClinVar contains an entry for this variant (Variation ID: 1995265). Advanced modeling of protein sequence and biophysical properties (such as structural, functional, and spatial information, amino acid conservation, physicochemical variation, residue mobility, and thermodynamic stability) performed at Invitae indicates that this missense variant is not expected to disrupt GCDH protein function. This variant disrupts the p.Met405 amino acid residue in GCDH. Other variant(s) that disrupt this residue have been determined to be pathogenic (PMID: 17188916, 27397597, 28438223). This suggests that this residue is clinically significant, and that variants that disrupt this residue are likely to be disease-causing. In summary, the currently available evidence indicates that the variant is pathogenic, but additional data are needed to prove that conclusively. Therefore, this variant has been classified as Likely Pathogenic. This sequence change replaces methionine, which is neutral and non-polar, with threonine, which is neutral and polar, at codon 405 of the GCDH protein (p.Met405Thr). This variant is not present in population databases (gnomAD no frequency). This variant has not been reported in the literature in individuals affected with GCDH-related conditions.

Literature cited by the submitters: PubMed 17188916; PubMed 27397597; PubMed 28438223.